The following is an entry in ClinVar:

ClinVar aggregate classification (germline): Conflicting classifications of pathogenicity. Review status: criteria provided, conflicting classifications (1 of 4 stars). 3 submissions from 3 submitters: Uncertain significance (1); Likely benign (2). Last evaluated 2023-11-06.

Allele frequency attached by ClinVar (database versions not stated): TOPMed 0.00003; gnomAD 0.00004 and 0.00005; gnomAD exomes 0.00004 and 0.00005; ExAC 0.00007; 1000 Genomes Project 0.00040; 1000 Genomes Project 30x 0.00047.
gnomAD v4.1: 65 of 1,613,900 alleles (0.004%); highest among the groups gnomAD compares: East Asian, 0.0067%; no homozygotes.

Submissions (3):

Labcorp Genetics (formerly Invitae), Labcorp
Classification: Likely benign. Last evaluated: 2023-11-06. Review status: criteria provided, single submitter. Criteria: Invitae Variant Classification Sherloc (09022015). Collection method: clinical testing. Allele origin: germline.

GeneDx
Classification: Uncertain significance. Last evaluated: 2023-09-17. Review status: criteria provided, single submitter. Criteria: GeneDx Variant Classification Process June 2021. Collection method: clinical testing. Allele origin: germline. Affected: yes.
Comment: In silico analysis suggests this variant may impact gene splicing. In the absence of RNA/functional studies, the actual effect of this sequence change is unknown.; Has not been previously published as pathogenic or benign to our knowledge

Athena Diagnostics
Classification: Likely benign. Last evaluated: 2018-09-18. Review status: criteria provided, single submitter. Criteria: Athena Diagnostics Criteria. Collection method: clinical testing. Allele origin: germline.

NM_001378452.1(ITPR1):c.4068C>T (p.Asn1356=)

Gene: ITPR1 (inositol 1,4,5-trisphosphate receptor type 1; plus strand). Cytogenetic location: 3p26.1.
Variant type: single nucleotide variant.
Coding change: c.4068C>T on transcript NM_001378452.1 (MANE Select); coding-DNA position 4068, C replaced by T.
Protein change: p.Asn1356=; no amino-acid change (asparagine 1356 retained).
Molecular consequence: synonymous variant.
Genome position (GRCh38, 1-based): chr3:4,693,528, C>T. VCF-style: chr3-4693528-C-T. GRCh37 (hg19) VCF-style: chr3-4735212-C-T.
Other names: c.4041C>T, p.Asn1347= (NM_001099952.4); c.4023C>T, p.Asn1341= (NM_001168272.2); c.3996C>T, p.Asn1332= (NM_002222.7); c.3996C>T (NM_002222.5).
Identifiers: ClinVar variation 804936 (VCV000804936.9), dbSNP rs542486327, ClinGen allele CA2231890.